The following is an entry in ClinVar:

ClinVar aggregate classification (germline): Conflicting classifications of pathogenicity. Review status: criteria provided, conflicting classifications (1 of 4 stars). 13 submissions from 13 submitters: Uncertain significance (1); Benign (1); Likely benign (6). 5 of the submissions do not count toward it. Last evaluated 2026-05-01.

Conditions:
Cardiovascular phenotype. Identifiers: MedGen CN230736.
Hypertrophic cardiomyopathy 14. Identifiers: MedGen C2750467, MONDO:0013197, OMIM 613251.

Allele frequency attached by ClinVar (database versions not stated): ESP Exome Variant Server 0.00038; gnomAD exomes 0.00040; ExAC 0.00041; gnomAD 0.00042 and 0.00043; TOPMed 0.00044.
gnomAD v4.1: 1,285 of 1,614,044 alleles (0.08%); highest among the groups gnomAD compares: Non-Finnish European, 0.11%; no homozygotes.

Submissions (13):

CeGaT Center for Human Genetics Tuebingen
Classification: Likely benign. Last evaluated: 2026-05-01. Review status: criteria provided, single submitter. Criteria: CeGaT Center For Human Genetics Tuebingen Variant Classification Criteria Version 2. Collection method: clinical testing. Allele origin: germline. Affected: yes. Observed: 1 variant allele.
Comment: MYH6: BP4, BP7, BS1

Labcorp Genetics (formerly Invitae), Labcorp
Classification: Likely benign for Hypertrophic cardiomyopathy 14. Last evaluated: 2026-01-26. Review status: criteria provided, single submitter. Criteria: Invitae Variant Classification Sherloc (09022015). Collection method: clinical testing. Allele origin: germline.

Blueprint Genetics
Classification: Likely benign. Last evaluated: 2024-11-07. Review status: criteria provided, single submitter. Criteria: ACMG Guidelines, 2015. Collection method: clinical testing. Allele origin: germline.

Women's Health and Genetics/Laboratory Corporation of America, LabCorp
Classification: Benign. Last evaluated: 2023-05-28. Review status: criteria provided, single submitter. Criteria: LabCorp Variant Classification Summary - May 2015. Collection method: clinical testing. Allele origin: germline.

GeneDx
Classification: Likely benign. Last evaluated: 2020-11-13. Review status: criteria provided, single submitter. Criteria: GeneDx Variant Classification Process June 2021. Collection method: clinical testing. Allele origin: germline. Affected: yes.

Ambry Genetics
Classification: Likely benign for Cardiovascular phenotype. Last evaluated: 2015-12-03. Review status: criteria provided, single submitter. Criteria: Ambry Variant Classification Scheme 2023. Collection method: clinical testing. Allele origin: germline.

Eurofins Ntd Llc (ga)
Classification: Uncertain significance. Last evaluated: 2014-09-01. Review status: criteria provided, single submitter. Criteria: EGL Classification Definitions 2015. Collection method: clinical testing. Allele origin: germline. Observed: 1 variant allele, 1 heterozygote.

Laboratory for Molecular Medicine, Mass General Brigham Personalized Medicine
Classification: Likely benign. Last evaluated: 2012-03-19. Review status: criteria provided, single submitter. Criteria: LMM Criteria. Collection method: clinical testing. Allele origin: germline. Observed: 1 variant allele.
Comment: Asn1635Asn in exon 33 of MYH6: This variant is not expected to have clinical sig nificance because it does not alter an amino acid residue and is not located wit hin the splice consensus sequence. It has been identified in 1/7020 European Ame rican chromosomes by the NHLBI Exome Sequencing Project (n.edu/EVS; dbSNP rs143048583). Asn1635Asn in exon 33 of MYH6 (rs143048583; alle le frequency = 1/7020) **

Clinical Genetics DNA and cytogenetics Diagnostics Lab, Erasmus MC, Erasmus Medical Center
Classification: Likely benign. Review status: no assertion criteria provided. Collection method: clinical testing. Allele origin: germline. Affected: yes. Study: VKGL Data-share Consensus. Not counted in ClinVar's aggregate classification.

Clinical Genetics, Academic Medical Center
Classification: Benign. Review status: no assertion criteria provided. Collection method: clinical testing. Allele origin: germline. Affected: yes. Study: VKGL Data-share Consensus. Not counted in ClinVar's aggregate classification.

Diagnostic Laboratory, Department of Genetics, University Medical Center Groningen
Classification: Likely benign. Review status: no assertion criteria provided. Collection method: clinical testing. Allele origin: germline. Affected: yes. Study: VKGL Data-share Consensus. Not counted in ClinVar's aggregate classification.

Genome Diagnostics Laboratory, University Medical Center Utrecht
Classification: Likely benign. Review status: no assertion criteria provided. Collection method: clinical testing. Allele origin: germline. Affected: yes. Study: VKGL Data-share Consensus. Not counted in ClinVar's aggregate classification.

Joint Genome Diagnostic Labs from Nijmegen and Maastricht, Radboudumc and MUMC+
Classification: Likely benign. Review status: no assertion criteria provided. Collection method: clinical testing. Allele origin: germline. Affected: yes. Study: VKGL Data-share Consensus. Not counted in ClinVar's aggregate classification.

NM_002471.4(MYH6):c.4905C>T (p.Asn1635=)

Genes: MYH6 (myosin heavy chain 6; minus strand), LOC126861896 (BRD4-independent group 4 enhancer GRCh37_chr14:23854904-23856103; plus strand). Cytogenetic location: 14q11.2.
Variant type: single nucleotide variant.
Coding change: c.4905C>T on transcript NM_002471.4 (MANE Select); coding-DNA position 4905, C replaced by T.
Protein change: p.Asn1635=; no amino-acid change (asparagine 1635 retained).
Molecular consequence: synonymous variant.
Genome position (GRCh38, 1-based): chr14:23,386,369, G>A on the plus strand (C>T on the coding strand, the complement: MYH6 is on the minus strand). VCF-style: chr14-23386369-G-A. GRCh37 (hg19) VCF-style: chr14-23855578-G-A.
Identifiers: ClinVar variation 178065 (VCV000178065.36), dbSNP rs143048583, ClinGen allele CA181315.